The following is an entry in ClinVar:

ClinVar aggregate classification (germline): Benign (0 of 4 stars; one submission).

Conditions:
TMEM175-related disorder. Also called: TMEM175-related condition.

Allele frequency attached by ClinVar (database versions not stated): TOPMed 0.63098; ESP Exome Variant Server 0.64178; 1000 Genomes Project 0.64756.
gnomAD v4.1: 962,830 of 1,601,740 alleles (60%); highest among the groups gnomAD compares: African/African-American, 72%; 291,699 homozygotes.

Submission:

PreventionGenetics, part of Exact Sciences
Classification: Benign for TMEM175-related condition. Last evaluated: 2019-06-10. Review status: no assertion criteria provided. Collection method: clinical testing. Allele origin: germline.
Comment: This variant is classified as benign based on ACMG/AMP sequence variant interpretation guidelines (Richards et al. 2015 PMID: 25741868, with internal and published modifications).

NM_032326.4(TMEM175):c.450T>C (p.Ile150=)

Gene: TMEM175 (transmembrane protein 175; plus strand). Cytogenetic location: 4p16.3.
Variant type: single nucleotide variant.
Coding change: c.450T>C on transcript NM_032326.4 (MANE Select); coding-DNA position 450, T replaced by C.
Protein change: p.Ile150=; no amino-acid change (isoleucine 150 retained).
Molecular consequence: synonymous variant.
Genome position (GRCh38, 1-based): chr4:952,438, T>C. VCF-style: chr4-952438-T-C. GRCh37 (hg19) VCF-style: chr4-946226-T-C.
Other names: c.204T>C, p.Ile68= (NM_001297423.2, NM_001297424.2, NM_001297425.2); c.102T>C, p.Ile34= (NM_001297426.2, NM_001297427.2, NM_001297428.2).
Identifiers: ClinVar variation 3060771 (VCV003060771.2), dbSNP rs11552301, ClinGen allele CA2799219.